The following is an entry in ClinVar:

ClinVar aggregate classification (germline): Uncertain significance. Review status: criteria provided, multiple submitters, no conflicts (2 of 4 stars). 4 submissions from 4 submitters: Uncertain significance (4). Last evaluated 2024-10-16.

Conditions:
Hereditary cancer-predisposing syndrome. Also called: Hereditary Cancer Syndrome; Tumor predisposition; Neoplastic Syndromes, Hereditary; Hereditary neoplastic syndrome. Identifiers: Orphanet 140162, MedGen C0027672, MeSH D009386, MONDO:0015356.
Familial adenomatous polyposis 1 (FAP1). Also called: FAMILIAL ADENOMATOUS POLYPOSIS 1, ATTENUATED; POLYPOSIS, ADENOMATOUS INTESTINAL. Identifiers: MedGen C2713442, MONDO:0021056, OMIM 175100. Disease mechanism: loss of function.

Submissions (4):

Labcorp Genetics (formerly Invitae), Labcorp
Classification: Uncertain significance for Familial adenomatous polyposis 1. Last evaluated: 2024-10-16. Review status: criteria provided, single submitter. Criteria: Invitae Variant Classification Sherloc (09022015). Collection method: clinical testing. Allele origin: germline.
Comment: This sequence change replaces threonine, which is neutral and polar, with asparagine, which is neutral and polar, at codon 2828 of the APC protein (p.Thr2828Asn). This variant is not present in population databases (gnomAD no frequency). This variant has not been reported in the literature in individuals affected with APC-related conditions. ClinVar contains an entry for this variant (Variation ID: 537554). Invitae Evidence Modeling of protein sequence and biophysical properties (such as structural, functional, and spatial information, amino acid conservation, physicochemical variation, residue mobility, and thermodynamic stability) indicates that this missense variant is not expected to disrupt APC protein function with a negative predictive value of 95%. In summary, the available evidence is currently insufficient to determine the role of this variant in disease. Therefore, it has been classified as a Variant of Uncertain Significance.

CeGaT Center for Human Genetics Tuebingen
Classification: Uncertain significance. Last evaluated: 2024-10-01. Review status: criteria provided, single submitter. Criteria: CeGaT Center For Human Genetics Tuebingen Variant Classification Criteria Version 2. Collection method: clinical testing. Allele origin: germline. Affected: yes. Observed: 1 variant allele.
Comment: APC: PM2, BP4

Ambry Genetics
Classification: Uncertain significance for Hereditary cancer-predisposing syndrome. Last evaluated: 2024-01-31. Review status: criteria provided, single submitter. Criteria: Ambry Variant Classification Scheme 2023. Collection method: clinical testing. Allele origin: germline.
Comment: The p.T2828N variant (also known as c.8483C>A), located in coding exon 15 of the APC gene, results from a C to A substitution at nucleotide position 8483. The threonine at codon 2828 is replaced by asparagine, an amino acid with similar properties. This amino acid position is conserved. In addition, in silico predictors for this gene do not accurately predict pathogenicity. Based on the available evidence, the clinical significance of this alteration remains unclear.

Quest Diagnostics Nichols Institute San Juan Capistrano
Classification: Uncertain significance. Last evaluated: 2021-04-02. Review status: criteria provided, single submitter. Criteria: Quest Diagnostics criteria. Collection method: clinical testing. Allele origin: unknown.

NM_000038.6(APC):c.8483C>A (p.Thr2828Asn)

Gene: APC (APC regulator of Wnt signaling pathway; plus strand). Cytogenetic location: 5q22.2.
Variant type: single nucleotide variant.
Coding change: c.8483C>A on transcript NM_000038.6 (MANE Select); coding-DNA position 8483, C replaced by A.
Protein change: p.Thr2828Asn; replaces threonine 2828 with asparagine.
Molecular consequence: missense variant.
Genome position (GRCh38, 1-based): chr5:112,844,077, C>A. VCF-style: chr5-112844077-C-A. GRCh37 (hg19) VCF-style: chr5-112179774-C-A.
Other names: c.8483C>A, p.Thr2828Asn (NM_001127510.3, NM_001354895.2); c.8429C>A, p.Thr2810Asn (NM_001127511.3); c.8537C>A, p.Thr2846Asn (NM_001354896.2); c.8513C>A, p.Thr2838Asn (NM_001354897.2); c.8408C>A, p.Thr2803Asn (NM_001354898.2); c.8399C>A, p.Thr2800Asn (NM_001354899.2); c.8360C>A, p.Thr2787Asn (NM_001354900.2); c.8306C>A, p.Thr2769Asn (NM_001354901.2); and 5 more; short protein forms T2828N, T2810N, T2838N, T2846N, T2668N, T2787N, T2727N, T2800N.
Identifiers: ClinVar variation 537554 (VCV000537554.26), dbSNP rs1554089195, ClinGen allele CA16039732.